The following is an entry in ClinVar:

ClinVar aggregate classification (germline): Benign/Likely benign. Review status: criteria provided, multiple submitters, no conflicts (2 of 4 stars). 3 submissions from 3 submitters: Benign (1); Likely benign (1). 1 of the submissions does not count toward it. Last evaluated 2026-01-11.

Conditions:
CACNA1H-related disorder.
Hyperaldosteronism, familial, type IV (HALD4). Also called: FH IV; ALDOSTERONISM, PRIMARY, AND HYPERTENSION. Identifiers: Orphanet 642671, MedGen C4310756, MONDO:0014875, OMIM 617027.
Idiopathic generalized epilepsy. Also called: EIG; Generalised epilepsy. Identifiers: MedGen C0270850, MONDO:0005579, OMIM 600669.

Allele frequency attached by ClinVar (database versions not stated): ESP Exome Variant Server 0.00008; ExAC 0.00011; gnomAD exomes 0.00017; TOPMed 0.00017; gnomAD 0.00020 and 0.00021.
gnomAD v4.1: 458 of 1,611,686 alleles (0.028%); highest among the groups gnomAD compares: Non-Finnish European, 0.038%; 1 homozygote.

Submissions (3):

Labcorp Genetics (formerly Invitae), Labcorp
Classification: Benign for Idiopathic generalized epilepsy; Hyperaldosteronism, familial, type IV. Last evaluated: 2026-01-11. Review status: criteria provided, single submitter. Criteria: Invitae Variant Classification Sherloc (09022015). Collection method: clinical testing. Allele origin: germline.

Blueprint Genetics
Classification: Likely benign. Last evaluated: 2024-10-21. Review status: criteria provided, single submitter. Criteria: ACMG Guidelines, 2015. Collection method: clinical testing. Allele origin: germline.

PreventionGenetics, part of Exact Sciences
Classification: Likely benign for CACNA1H-related condition. Last evaluated: 2024-04-10. Review status: no assertion criteria provided. Collection method: clinical testing. Allele origin: germline. Not counted in ClinVar's aggregate classification.
Comment: This variant is classified as likely benign based on ACMG/AMP sequence variant interpretation guidelines (Richards et al. 2015 PMID: 25741868, with internal and published modifications).

NM_021098.3(CACNA1H):c.314T>G (p.Val105Gly)

Gene: CACNA1H (calcium voltage-gated channel subunit alpha1 H; plus strand). Cytogenetic location: 16p13.3.
Variant type: single nucleotide variant.
Coding change: c.314T>G on transcript NM_021098.3 (MANE Select); coding-DNA position 314, T replaced by G.
Protein change: p.Val105Gly; replaces valine 105 with glycine.
Molecular consequence: missense variant.
Genome position (GRCh38, 1-based): chr16:1,194,986, T>G. VCF-style: chr16-1194986-T-G. GRCh37 (hg19) VCF-style: chr16-1244986-T-G.
Other names: c.314T>G, p.Val105Gly (NM_001005407.2); short protein forms V105G.
Identifiers: ClinVar variation 639712 (VCV000639712.12), dbSNP rs57552791, ClinGen allele CA7799355.